The following is an entry in ClinVar:

NM_001385641.1(SAMD11):c.2178+6G>T

Gene: SAMD11 (sterile alpha motif domain containing 11; plus strand). Cytogenetic location: 1p36.33.
Variant type: single nucleotide variant.
Coding change: c.2178+6G>T on transcript NM_001385641.1 (MANE Select); 6 bases into the intron after coding-DNA position 2178, G replaced by T.
Molecular consequence: intron variant.
Genome position (GRCh38, 1-based): chr1:943,383, G>T. VCF-style: chr1-943383-G-T. GRCh37 (hg19) VCF-style: chr1-878763-G-T.
Other names: c.2181+6G>T (NM_001385640.1); c.1689+6G>T (NM_152486.4).
Identifiers: ClinVar variation 2075247 (VCV002075247.4), dbSNP rs1172784961, ClinGen allele CA520806756.
Genomic context (GRCh38, chr1:943,383, plus strand): 5'-GGATGACGTCTGCAGCTTCGTGGGGGGCCTGTCTGGCTGTGGAGAGTACACTCGGGTAAG[G>T]GGGGGCCCCAGTTCCTGGGGCGGGGCTGGAGCTGGCTGGCAGTCACTACCTCCCTGGAAA-3'

ClinVar aggregate classification (germline): Uncertain significance (1 of 4 stars; one submission).

Allele frequency attached by ClinVar (database versions not stated): gnomAD 0.00001.

Submission:

Labcorp Genetics (formerly Invitae), Labcorp
Classification: Uncertain significance. Last evaluated: 2022-05-14. Review status: criteria provided, single submitter. Criteria: Invitae Variant Classification Sherloc (09022015). Collection method: clinical testing. Allele origin: germline.
Comment: In summary, the available evidence is currently insufficient to determine the role of this variant in disease. Therefore, it has been classified as a Variant of Uncertain Significance. Variants that disrupt the consensus splice site are a relatively common cause of aberrant splicing (PMID: 17576681, 9536098). Algorithms developed to predict the effect of sequence changes on RNA splicing suggest that this variant is not likely to affect RNA splicing. This variant has not been reported in the literature in individuals affected with SAMD11-related conditions. The frequency data for this variant in the population databases is considered unreliable, as metrics indicate poor data quality at this position in the gnomAD database. This sequence change falls in intron 12 of the SAMD11 gene. It does not directly change the encoded amino acid sequence of the SAMD11 protein. It affects a nucleotide within the consensus splice site.

Literature cited by the submitters: PubMed 17576681; PubMed 9536098.